The following is an entry in ClinVar:

NM_000660.7(TGFB1):c.782T>C (p.Met261Thr)

Gene: TGFB1 (transforming growth factor beta 1; minus strand). Cytogenetic location: 19q13.2.
Variant type: single nucleotide variant.
Coding change: c.782T>C on transcript NM_000660.7 (MANE Select); coding-DNA position 782, T replaced by C.
Protein change: p.Met261Thr; replaces methionine 261 with threonine.
Molecular consequence: missense variant.
Genome position (GRCh38, 1-based): chr19:41,341,961, A>G on the plus strand (T>C on the coding strand, the complement: TGFB1 is on the minus strand). VCF-style: chr19-41341961-A-G. GRCh37 (hg19) VCF-style: chr19-41847866-A-G.
Other names: short protein forms M261T.
Identifiers: ClinVar variation 963045 (VCV000963045.9), dbSNP rs2038060686, ClinGen allele CA405999457.
Genomic context (GRCh38, chr19:41,341,961, plus strand): 5'-TCCAGGGCTCGGCGGTGCCGGGAGCTTTGCAGATGCTGGGCCCTCTCCAGCGGGGTGGCC[A>G]TGAGAAGCAGGAAAGGCCGGTTCATGCCATGAATGGTGGCCAGGTCACCTCGGCGGCCGG-3'
Protein context (NP_000651.3, residues 251-271): HGMNRPFLLL[Met261Thr]ATPLERAQHL

ClinVar aggregate classification (germline): Uncertain significance (1 of 4 stars; one submission).

Allele frequency attached by ClinVar (database versions not stated): gnomAD exomes below 0.00001.

Submission:

Labcorp Genetics (formerly Invitae), Labcorp
Classification: Uncertain significance. Last evaluated: 2022-07-19. Review status: criteria provided, single submitter. Criteria: Invitae Variant Classification Sherloc (09022015). Collection method: clinical testing. Allele origin: germline.
Comment: This variant has not been reported in the literature in individuals affected with TGFB1-related conditions. In summary, the available evidence is currently insufficient to determine the role of this variant in disease. Therefore, it has been classified as a Variant of Uncertain Significance. Algorithms developed to predict the effect of missense changes on protein structure and function (SIFT, PolyPhen-2, Align-GVGD) all suggest that this variant is likely to be tolerated. ClinVar contains an entry for this variant (Variation ID: 963045). This variant is not present in population databases (gnomAD no frequency). This sequence change replaces methionine, which is neutral and non-polar, with threonine, which is neutral and polar, at codon 261 of the TGFB1 protein (p.Met261Thr).